The following is an entry in ClinVar:

ClinVar aggregate classification (germline): Uncertain significance (1 of 4 stars; one submission).

Conditions:
RASopathy. Also called: Noonan spectrum disorder; rasopathies. Identifiers: Orphanet 536391, MedGen C5555857, MONDO:0021060.

Submission:

Labcorp Genetics (formerly Invitae), Labcorp
Classification: Uncertain significance for RASopathy. Last evaluated: 2021-08-26. Review status: criteria provided, single submitter. Criteria: Invitae Variant Classification Sherloc (09022015). Collection method: clinical testing. Allele origin: germline.
Comment: This variant has not been reported in the literature in individuals affected with BRAF-related conditions. In summary, the available evidence is currently insufficient to determine the role of this variant in disease. Therefore, it has been classified as a Variant of Uncertain Significance. Advanced modeling of protein sequence and biophysical properties (such as structural, functional, and spatial information, amino acid conservation, physicochemical variation, residue mobility, and thermodynamic stability) performed at Invitae indicates that this missense variant is not expected to disrupt BRAF protein function. This sequence change replaces alanine with threonine at codon 35 of the BRAF protein (p.Ala35Thr). The alanine residue is weakly conserved and there is a small physicochemical difference between alanine and threonine. The frequency data for this variant in the population databases is considered unreliable, as metrics indicate insufficient coverage at this position in the ExAC database.

NM_004333.6(BRAF):c.103G>A (p.Ala35Thr)

Gene: BRAF (B-Raf proto-oncogene, serine/threonine kinase; minus strand). Cytogenetic location: 7q34.
Variant type: single nucleotide variant.
Coding change: c.103G>A on transcript NM_004333.6 (MANE Select); coding-DNA position 103, G replaced by A.
Protein change: p.Ala35Thr; replaces alanine 35 with threonine.
Molecular consequence: missense variant.
Genome position (GRCh38, 1-based): chr7:140,924,601, C>T on the plus strand (G>A on the coding strand, the complement: BRAF is on the minus strand). VCF-style: chr7-140924601-C-T. GRCh37 (hg19) VCF-style: chr7-140624401-C-T.
Other names: c.103G>A, p.Ala35Thr (NM_001354609.2, NM_001374244.1, NM_001374258.1 and 7 more transcripts); short protein forms A35T.
Identifiers: ClinVar variation 1513782 (VCV001513782.6), dbSNP rs1818660367, ClinGen allele CA369590096.